The following is an entry in ClinVar:

ClinVar aggregate classification (germline): Uncertain significance (1 of 4 stars; one submission).

Conditions:
Arrhythmogenic right ventricular cardiomyopathy (ARVD). Also called: Arrhythmogenic right ventricular dysplasia; Cardiomyopathy, ARVC; Arrhythmogenic cardiomyopathy; Arrhythmogenic Right Ventricular Cardiomyopathy (ARVC). Identifiers: Orphanet 247, MedGen C0349788, MeSH D019571, MONDO:0016587. Disease mechanism: loss of function. Inheritance: Various modes of inheritance.

gnomAD v4.1: 2 of 1,613,870 alleles (0.00012%); highest among the groups gnomAD compares: Non-Finnish European, 0.00017%; no homozygotes.

Submission:

All of Us Research Program, National Institutes of Health
Classification: Uncertain significance for Arrhythmogenic right ventricular cardiomyopathy. Last evaluated: 2023-11-20. Review status: criteria provided, single submitter. Criteria: ACMG Guidelines, 2015. Collection method: clinical testing. Allele origin: germline. Inheritance: Autosomal dominant inheritance. Observed: 1 variant allele, 1 heterozygote.
Comment: This missense variant replaces proline with alanine at codon 544 of the PKP2 protein. Computational prediction suggests that this variant may not impact protein structure and function (internally defined REVEL score threshold <= 0.5, PMID: 27666373). To our knowledge, functional studies have not been reported for this variant. This variant has not been reported in individuals affected with PKP2-related disorders in the literature. This variant has not been identified in the general population by the Genome Aggregation Database (gnomAD). The available evidence is insufficient to determine the role of this variant in disease conclusively. Therefore, this variant is classified as a Variant of Uncertain Significance.

This study involves interpretation of variants in research participants for the purpose of population health screening. Participant phenotype was not available at the time of variant classification. Additional details can be found in publication PMID: 35346344, PMCID: PMC8962531

NM_001005242.3(PKP2):c.1498C>G (p.Pro500Ala)

Gene: PKP2 (plakophilin 2; minus strand). Cytogenetic location: 12p11.21.
Variant type: single nucleotide variant.
Coding change: c.1498C>G on transcript NM_001005242.3 (MANE Select); coding-DNA position 1498, C replaced by G.
Protein change: p.Pro500Ala; replaces proline 500 with alanine.
Molecular consequence: missense variant.
Genome position (GRCh38, 1-based): chr12:32,841,086, G>C on the plus strand (C>G on the coding strand, the complement: PKP2 is on the minus strand). VCF-style: chr12-32841086-G-C. GRCh37 (hg19) VCF-style: chr12-32994020-G-C.
Other names: c.1498C>G, p.Pro500Ala (NM_001407155.1, NM_001407156.1, NM_001407161.1); c.1630C>G, p.Pro544Ala (NM_001407157.1, NM_004572.4); c.1171C>G, p.Pro391Ala (NM_001407158.1, NM_001407159.1, NM_001407160.1 and 1 more transcripts); short protein forms P391A, P500A, P544A.
Identifiers: ClinVar variation 3074634 (VCV003074634.1), dbSNP rs2541264868, ClinGen allele CA384367523.